The following is an entry in ClinVar:

NM_015559.3(SETBP1):c.3908A>G (p.Tyr1303Cys)

Gene: SETBP1 (SET binding protein 1; plus strand). Cytogenetic location: 18q12.3.
Variant type: single nucleotide variant.
Coding change: c.3908A>G on transcript NM_015559.3 (MANE Select); coding-DNA position 3908, A replaced by G.
Protein change: p.Tyr1303Cys; replaces tyrosine 1303 with cysteine.
Molecular consequence: missense variant.
Genome position (GRCh38, 1-based): chr18:44,953,248, A>G. VCF-style: chr18-44953248-A-G. GRCh37 (hg19) VCF-style: chr18-42533213-A-G.
Other names: c.3908A>G, p.Tyr1303Cys (NM_001379141.1, NM_001379142.1, NM_001410862.1); short protein forms Y1303C.
Identifiers: ClinVar variation 2752284 (VCV002752284.3), dbSNP rs147082972, ClinGen allele CA402325457.

ClinVar aggregate classification (germline): Uncertain significance (1 of 4 stars; one submission).

Submission:

Labcorp Genetics (formerly Invitae), Labcorp
Classification: Uncertain significance. Last evaluated: 2023-08-14. Review status: criteria provided, single submitter. Criteria: Invitae Variant Classification Sherloc (09022015). Collection method: clinical testing. Allele origin: germline.
Comment: In summary, the available evidence is currently insufficient to determine the role of this variant in disease. Therefore, it has been classified as a Variant of Uncertain Significance. Advanced modeling of protein sequence and biophysical properties (such as structural, functional, and spatial information, amino acid conservation, physicochemical variation, residue mobility, and thermodynamic stability) performed at Invitae indicates that this missense variant is not expected to disrupt SETBP1 protein function. This variant has not been reported in the literature in individuals affected with SETBP1-related conditions. This variant is not present in population databases (gnomAD no frequency). This sequence change replaces tyrosine, which is neutral and polar, with cysteine, which is neutral and slightly polar, at codon 1303 of the SETBP1 protein (p.Tyr1303Cys).